The following is an entry in ClinVar:

NM_016026.4(RDH11):c.910C>T (p.Arg304Trp)

Genes: GPHN (gephyrin; plus strand), RDH11 (retinol dehydrogenase 11; minus strand). Cytogenetic location: 14q24.1.
Variant type: single nucleotide variant.
Coding change: c.910C>T on transcript NM_016026.4 (MANE Select); coding-DNA position 910, C replaced by T.
Protein change: p.Arg304Trp; replaces arginine 304 with tryptophan.
Molecular consequence: missense variant.
Genome position (GRCh38, 1-based): chr14:67,678,368, G>A on the plus strand (C>T on the coding strand, the complement: RDH11 is on the minus strand). VCF-style: chr14-67678368-G-A. GRCh37 (hg19) VCF-style: chr14-68145085-G-A.
Other names: c.700C>T, p.Arg234Trp (NM_001252650.2); short protein forms R234W, R304W.
Identifiers: ClinVar variation 1713957 (VCV001713957.5), dbSNP rs367742687, ClinGen allele CA7238267.

ClinVar aggregate classification (germline): Uncertain significance (1 of 4 stars; one submission).

Allele frequency attached by ClinVar (database versions not stated): gnomAD 0.00001; ESP Exome Variant Server 0.00008.
gnomAD v4.1: 16 of 1,613,888 alleles (0.00099%); highest among the groups gnomAD compares: South Asian, 0.0022%; no homozygotes.

Submission:

Labcorp Genetics (formerly Invitae), Labcorp
Classification: Uncertain significance. Last evaluated: 2022-08-08. Review status: criteria provided, single submitter. Criteria: Invitae Variant Classification Sherloc (09022015). Collection method: clinical testing. Allele origin: germline.
Comment: In summary, the available evidence is currently insufficient to determine the role of this variant in disease. Therefore, it has been classified as a Variant of Uncertain Significance. Algorithms developed to predict the effect of missense changes on protein structure and function are either unavailable or do not agree on the potential impact of this missense change (SIFT: "Deleterious"; PolyPhen-2: "Probably Damaging"; Align-GVGD: "Class C0"). This variant has not been reported in the literature in individuals affected with RDH11-related conditions. This variant is present in population databases (rs367742687, gnomAD 0.003%). This sequence change replaces arginine, which is basic and polar, with tryptophan, which is neutral and slightly polar, at codon 304 of the RDH11 protein (p.Arg304Trp).